The following is an entry in ClinVar:

ClinVar aggregate classification (germline): Uncertain significance (1 of 4 stars; one submission).

Conditions:
Developmental and epileptic encephalopathy, 1 (DEE1). Also called: X-linked infantile spasms; West's syndrome; Tonic spasms with clustering, arrest of psychomotor development and hypsarrhythmia on EEG; X-Linked Infantile Spasm Syndrome; OHTAHARA SYNDROME, X-LINKED; Epileptic encephalopathy, early infantile, 1. Identifiers: MedGen C3463992, MONDO:0010632, OMIM 308350. Disease mechanism: loss of function.
Intellectual disability, X-linked, with or without seizures, ARX-related. Also called: INTELLECTUAL DEVELOPMENTAL DISORDER, X-LINKED 29; Mental retardation, X-linked 52; MENTAL RETARDATION, X-LINKED 29; MENTAL RETARDATION, X-LINKED 32; MENTAL RETARDATION, X-LINKED 33; MENTAL RETARDATION, X-LINKED 38. Identifiers: Orphanet 777, MedGen C0796244, MONDO:0010317, OMIM 300419.

Submission:

Labcorp Genetics (formerly Invitae), Labcorp
Classification: Uncertain significance for Developmental and epileptic encephalopathy, 1; Intellectual disability, X-linked, with or without seizures, ARX-related. Last evaluated: 2023-07-16. Review status: criteria provided, single submitter. Criteria: Invitae Variant Classification Sherloc (09022015). Collection method: clinical testing. Allele origin: germline.
Comment: In summary, the available evidence is currently insufficient to determine the role of this variant in disease. Therefore, it has been classified as a Variant of Uncertain Significance. Advanced modeling of protein sequence and biophysical properties (such as structural, functional, and spatial information, amino acid conservation, physicochemical variation, residue mobility, and thermodynamic stability) performed at Invitae indicates that this missense variant is not expected to disrupt ARX protein function. This variant has not been reported in the literature in individuals affected with ARX-related conditions. This variant is not present in population databases (gnomAD no frequency). This sequence change replaces alanine, which is neutral and non-polar, with aspartic acid, which is acidic and polar, at codon 214 of the ARX protein (p.Ala214Asp).

NM_139058.3(ARX):c.641C>A (p.Ala214Asp)

Gene: ARX (aristaless related homeobox; minus strand). Cytogenetic location: Xp21.3.
Variant type: single nucleotide variant.
Coding change: c.641C>A on transcript NM_139058.3 (MANE Select); coding-DNA position 641, C replaced by A.
Protein change: p.Ala214Asp; replaces alanine 214 with aspartic acid.
Molecular consequence: missense variant.
Genome position (GRCh38, 1-based): chrX:25,013,354, G>T on the plus strand (C>A on the coding strand, the complement: ARX is on the minus strand). VCF-style: chrX-25013354-G-T. GRCh37 (hg19) VCF-style: chrX-25031471-G-T.
Other names: short protein forms A214D.
Identifiers: ClinVar variation 2948737 (VCV002948737.3), dbSNP rs1262340629, ClinGen allele CA412612749.